The following is an entry in ClinVar:

NM_000474.4(TWIST1):c.172G>A (p.Gly58Arg)

Gene: TWIST1 (twist family bHLH transcription factor 1; minus strand). Cytogenetic location: 7p21.1.
Variant type: single nucleotide variant.
Coding change: c.172G>A on transcript NM_000474.4 (MANE Select); coding-DNA position 172, G replaced by A.
Protein change: p.Gly58Arg; replaces glycine 58 with arginine.
Molecular consequence: missense variant. On other transcripts: non-coding transcript variant (1).
Genome position (GRCh38, 1-based): chr7:19,117,150, C>T on the plus strand (G>A on the coding strand, the complement: TWIST1 is on the minus strand). VCF-style: chr7-19117150-C-T. GRCh37 (hg19) VCF-style: chr7-19156773-C-T.
Other names: short protein forms G58R.
Identifiers: ClinVar variation 4881338 (VCV004881338.2).

ClinVar aggregate classification (germline): Uncertain significance (1 of 4 stars; one submission).

Submission:

Dasa
Classification: Uncertain significance. Last evaluated: 2025-06-25. Review status: criteria provided, single submitter. Criteria: DASA Assertion Criteria. Collection method: clinical testing. Allele origin: germline.
Comment: NM_000474.4(TWIST1):c.172G>A (p.Gly58Arg) is a missense variant that results in the substitution of glycine with arginine. This variant is rare in population databases. Computational prediction algorithms are consistent with a benign effect. The currently available literature and clinical evidence are not sufficient to establish a definitive association between this variant and the reported condition. Therefore, this variant is classified as a variant of uncertain significance.